The following is an entry in ClinVar:

ClinVar aggregate classification (germline): Uncertain significance. Review status: criteria provided, multiple submitters, no conflicts (2 of 4 stars). 2 submissions from 2 submitters: Uncertain significance (2). Last evaluated 2024-11-11.

Conditions:
Encephalopathy, acute, infection-induced (herpes-specific), susceptibility to, 1. Also called: Herpes simplex encephalitis, susceptibility to, 1. Identifiers: Orphanet 1930, MedGen C2750180, MONDO:0024563, OMIM 610551.

Allele frequency attached by ClinVar (database versions not stated): TOPMed 0.00002; gnomAD exomes 0.00001.

Submissions (2):

Ambry Genetics
Classification: Uncertain significance. Last evaluated: 2024-11-11. Review status: criteria provided, single submitter. Criteria: Ambry Variant Classification Scheme 2023. Collection method: clinical testing. Allele origin: germline.

Labcorp Genetics (formerly Invitae), Labcorp
Classification: Uncertain significance for Encephalopathy, acute, infection-induced (herpes-specific), susceptibility to, 1. Last evaluated: 2024-05-24. Review status: criteria provided, single submitter. Criteria: Invitae Variant Classification Sherloc (09022015). Collection method: clinical testing. Allele origin: germline.
Comment: This sequence change replaces histidine, which is basic and polar, with tyrosine, which is neutral and polar, at codon 833 of the TLR3 protein (p.His833Tyr). This variant is not present in population databases (gnomAD no frequency). This variant has not been reported in the literature in individuals affected with TLR3-related conditions. ClinVar contains an entry for this variant (Variation ID: 537921). Algorithms developed to predict the effect of missense changes on protein structure and function output the following: SIFT: "Not Available"; PolyPhen-2: "Benign"; Align-GVGD: "Not Available". The tyrosine amino acid residue is found in multiple mammalian species, which suggests that this missense change does not adversely affect protein function. In summary, the available evidence is currently insufficient to determine the role of this variant in disease. Therefore, it has been classified as a Variant of Uncertain Significance.

NM_003265.3(TLR3):c.2497C>T (p.His833Tyr)

Gene: TLR3 (toll like receptor 3; plus strand). Cytogenetic location: 4q35.1.
Variant type: single nucleotide variant.
Coding change: c.2497C>T on transcript NM_003265.3 (MANE Select); coding-DNA position 2497, C replaced by T.
Protein change: p.His833Tyr; replaces histidine 833 with tyrosine.
Molecular consequence: missense variant.
Genome position (GRCh38, 1-based): chr4:186,084,655, C>T. VCF-style: chr4-186084655-C-T. GRCh37 (hg19) VCF-style: chr4-187005809-C-T.
Other names: short protein forms H833Y.
Identifiers: ClinVar variation 537921 (VCV000537921.10), dbSNP rs1460329308, ClinGen allele CA358937551.